The following is an entry in ClinVar:

NM_001083962.2(TCF4):c.655+1G>A

Gene: TCF4 (transcription factor 4; minus strand). Cytogenetic location: 18q21.2.
Variant type: single nucleotide variant.
Coding change: c.655+1G>A on transcript NM_001083962.2 (MANE Select); the canonical splice donor site of the intron after coding-DNA position 655, G replaced by A.
Molecular consequence: splice donor variant.
Genome position (GRCh38, 1-based): chr18:55,279,550, C>T on the plus strand (G>A on the coding strand, the complement: TCF4 is on the minus strand). VCF-style: chr18-55279550-C-T. GRCh37 (hg19) VCF-style: chr18-52946781-C-T.
Other names: c.961+1G>A (NM_001243226.3); c.580+1G>A (NM_001369584.1, NM_001369576.1, NM_001369585.1 and 3 more transcripts); c.583+1G>A (NM_001369577.1, NM_001369582.1, NM_001243227.2 and 9 more transcripts); c.655+1G>A (NM_001369571.1, NM_001369567.1, NM_001369572.1 and 4 more transcripts); c.673+1G>A (NM_001243228.2); c.649+1G>A (NM_001243230.2); c.652+1G>A (NM_001369569.1, NM_001369573.1, NM_001369570.1); c.529+1G>A (NM_001243231.2, NM_001348211.2); and 4 more.
Identifiers: ClinVar variation 160086 (VCV000160086.17), dbSNP rs587784465, ClinGen allele CA272711.
Genomic context (GRCh38, chr18:55,279,550, plus strand): 5'-ATTAAGTGACCCAGGAAAATGCTATCCAGTGGCCTTTCCCTCAGAAGCAGCAGCATCTTA[C>T]CTTGCATGAAGAAGGAGCTAGGGAAAGTGCTGGTTGCTGGTTTGGAGGAAGGATAGCCTG-3'

ClinVar aggregate classification (germline): Pathogenic/Likely pathogenic. Review status: criteria provided, multiple submitters, no conflicts (2 of 4 stars). 4 submissions from 4 submitters: Pathogenic (3); Likely pathogenic (1). Last evaluated 2025-03-26.

Conditions:
Pitt-Hopkins syndrome (PTHS). Also called: ENCEPHALOPATHY, SEVERE EPILEPTIC, WITH AUTONOMIC DYSFUNCTION; MENTAL RETARDATION, SYNDROMAL, WITH INTERMITTENT HYPERVENTILATION. Identifiers: Orphanet 2896, MedGen C1970431, MONDO:0012589, OMIM 610954.

Submissions (4):

GeneDx
Classification: Pathogenic. Last evaluated: 2025-03-26. Review status: criteria provided, single submitter. Criteria: GeneDx Variant Classification Process June 2021. Collection method: clinical testing. Allele origin: germline. Affected: yes.
Comment: Canonical splice site variant predicted to result in a null allele in a gene for which loss of function is a known mechanism of disease; Not observed at significant frequency in large population cohorts (gnomAD); Has not been previously published as pathogenic or benign to our knowledge; This variant is associated with the following publications: (PMID: 18728071, 22045651)

Department of Clinical Genetics, Copenhagen University Hospital, Rigshospitalet
Classification: Pathogenic for Pitt-Hopkins syndrome. Last evaluated: 2021-08-01. Review status: criteria provided, single submitter. Criteria: ACMG Guidelines, 2015. Collection method: clinical testing. Allele origin: de novo. Affected: yes.

Labcorp Genetics (formerly Invitae), Labcorp
Classification: Likely pathogenic for Pitt-Hopkins syndrome. Last evaluated: 2020-12-24. Review status: criteria provided, single submitter. Criteria: Invitae Variant Classification Sherloc (09022015). Collection method: clinical testing. Allele origin: germline.
Comment: This variant has not been reported in the literature in individuals with TCF4-related conditions. ClinVar contains an entry for this variant (Variation ID: 160086). This variant is not present in population databases (ExAC no frequency). This sequence change affects a donor splice site in intron 9 of the TCF4 gene. It is expected to disrupt RNA splicing. Variants that disrupt the donor or acceptor splice site typically lead to a loss of protein function (PMID: 16199547), and loss-of-function variants in TCF4 are known to be pathogenic (PMID: 18728071, 22045651). Algorithms developed to predict the effect of sequence changes on RNA splicing suggest that this variant may disrupt the consensus splice site, but this prediction has not been confirmed by published transcriptional studies. In summary, the currently available evidence indicates that the variant is pathogenic, but additional data are needed to prove that conclusively. Therefore, this variant has been classified as Likely Pathogenic.

Genetic Services Laboratory, University of Chicago
Classification: Pathogenic for Pitt-Hopkins syndrome. Last evaluated: 2013-02-08. Review status: criteria provided, single submitter. Criteria: ACMG Guidelines, 2007. Collection method: clinical testing. Allele origin: germline. Inheritance: Autosomal dominant inheritance. Affected: yes.

Literature cited by the submitters: PubMed 16199547 (cited by Labcorp Genetics (formerly Invitae), Labcorp); PubMed 18728071 (cited by Labcorp Genetics (formerly Invitae), Labcorp); PubMed 22045651 (cited by Labcorp Genetics (formerly Invitae), Labcorp).